The following is an entry in ClinVar:

NM_032217.5(ANKRD17):c.470G>A (p.Gly157Asp)

Gene: ANKRD17 (ankyrin repeat domain 17; minus strand). Cytogenetic location: 4q13.3.
Variant type: single nucleotide variant.
Coding change: c.470G>A on transcript NM_032217.5 (MANE Select); coding-DNA position 470, G replaced by A.
Protein change: p.Gly157Asp; replaces glycine 157 with aspartic acid.
Molecular consequence: missense variant.
Genome position (GRCh38, 1-based): chr4:73,177,457, C>T on the plus strand (G>A on the coding strand, the complement: ANKRD17 is on the minus strand). VCF-style: chr4-73177457-C-T. GRCh37 (hg19) VCF-style: chr4-74043174-C-T.
Other names: c.131G>A, p.Gly44Asp (NM_001286771.3); c.470G>A, p.Gly157Asp (NM_015574.2, NM_198889.3); short protein forms G157D, G44D.
Identifiers: ClinVar variation 5008738 (VCV005008738.1).

ClinVar aggregate classification (germline): Uncertain significance (1 of 4 stars; one submission).

Submission:

GeneDx
Classification: Uncertain significance. Last evaluated: 2026-03-08. Review status: criteria provided, single submitter. Criteria: GeneDx Variant Classification Process June 2021. Collection method: clinical testing. Allele origin: germline.
Comment: Not observed at significant frequency in large population cohorts (gnomAD); In silico analysis suggests that this missense variant does not alter protein structure/function; Has not been previously published as pathogenic or benign to our knowledge